The following is an entry in ClinVar:

ClinVar aggregate classification (germline): Uncertain significance. Review status: criteria provided, multiple submitters, no conflicts (2 of 4 stars). 2 submissions from 2 submitters: Uncertain significance (2). Last evaluated 2025-09-16.

Conditions:
Congenital myasthenic syndrome 2A. Also called: Myasthenic syndrome, congenital, 2a, slow-channel. Identifiers: Orphanet 590, MedGen C4225374, MONDO:0014581, OMIM 616313.

Allele frequency attached by ClinVar (database versions not stated): gnomAD exomes below 0.00001 and 0.00002; ExAC 0.00001; TOPMed 0.00002; gnomAD 0.00004.
gnomAD v4.1: 10 of 1,614,128 alleles (0.00062%); highest among the groups gnomAD compares: African/African-American, 0.013%; no homozygotes.

Submissions (2):

Labcorp Genetics (formerly Invitae), Labcorp
Classification: Uncertain significance for Congenital myasthenic syndrome 2A. Last evaluated: 2025-09-16. Review status: criteria provided, single submitter. Criteria: Invitae Variant Classification Sherloc (09022015). Collection method: clinical testing. Allele origin: germline.
Comment: This sequence change replaces asparagine, which is neutral and polar, with histidine, which is basic and polar, at codon 122 of the CHRNB1 protein (p.Asn122His). This variant is present in population databases (rs776217572, gnomAD 0.02%). This variant has not been reported in the literature in individuals affected with CHRNB1-related conditions. ClinVar contains an entry for this variant (Variation ID: 1056320). Invitae Evidence Modeling of protein sequence and biophysical properties (such as structural, functional, and spatial information, amino acid conservation, physicochemical variation, residue mobility, and thermodynamic stability) indicates that this missense variant is not expected to disrupt CHRNB1 protein function with a negative predictive value of 80%. In summary, the available evidence is currently insufficient to determine the role of this variant in disease. Therefore, it has been classified as a Variant of Uncertain Significance.

Revvity Omics, Revvity
Classification: Uncertain significance. Last evaluated: 2024-01-24. Review status: criteria provided, single submitter. Criteria: ACMG Guidelines, 2015. Collection method: clinical testing. Allele origin: germline.

NM_000747.3(CHRNB1):c.364A>C (p.Asn122His)

Gene: CHRNB1 (cholinergic receptor nicotinic beta 1 subunit; plus strand). Cytogenetic location: 17p13.1.
Variant type: single nucleotide variant.
Coding change: c.364A>C on transcript NM_000747.3 (MANE Select); coding-DNA position 364, A replaced by C.
Protein change: p.Asn122His; replaces asparagine 122 with histidine.
Molecular consequence: missense variant.
Genome position (GRCh38, 1-based): chr17:7,447,053, A>C. VCF-style: chr17-7447053-A-C. GRCh37 (hg19) VCF-style: chr17-7350372-A-C.
Other names: c.364A>C (NM_000747.2); short protein forms N122H.
Identifiers: ClinVar variation 1056320 (VCV001056320.9), dbSNP rs776217572, ClinGen allele CA8347760.